The following is an entry in ClinVar:

NM_206933.4(USH2A):c.9723C>T (p.Tyr3241=)

Gene: USH2A (usherin; minus strand). Cytogenetic location: 1q41.
Variant type: single nucleotide variant.
Coding change: c.9723C>T on transcript NM_206933.4 (MANE Select); coding-DNA position 9723, C replaced by T.
Protein change: p.Tyr3241=; no amino-acid change (tyrosine 3241 retained).
Molecular consequence: synonymous variant.
Genome position (GRCh38, 1-based): chr1:215,813,752, G>A on the plus strand (C>T on the coding strand, the complement: USH2A is on the minus strand). VCF-style: chr1-215813752-G-A. GRCh37 (hg19) VCF-style: chr1-215987094-G-A.
Identifiers: ClinVar variation 48633 (VCV000048633.22), dbSNP rs6660707, ClinGen allele CA143672.

ClinVar aggregate classification (germline): Benign/Likely benign. Review status: criteria provided, multiple submitters, no conflicts (2 of 4 stars). 9 submissions from 8 submitters: Benign (5); Likely benign (1). 3 of the submissions do not count toward it. Last evaluated 2026-01-31.

Conditions:
Usher syndrome type 2A. Also called: USHER SYNDROME, TYPE IIA; RETINAL DISEASE IN USHER SYNDROME TYPE IIA, MODIFIER OF. Identifiers: Orphanet 231178, Orphanet 886, MedGen C1848634, MONDO:0010169, OMIM 276901.
Retinitis pigmentosa 39 (RP39). Identifiers: Orphanet 791, MedGen C3151138, MONDO:0013436, OMIM 613809.

Allele frequency attached by ClinVar (database versions not stated): gnomAD exomes 0.00151; ExAC 0.00207; gnomAD 0.00644 and 0.00683; ESP Exome Variant Server 0.00661; TOPMed 0.00721; 1000 Genomes Project 30x 0.00734; 1000 Genomes Project 0.00759.

Submissions (9):

Labcorp Genetics (formerly Invitae), Labcorp
Classification: Benign. Last evaluated: 2026-01-31. Review status: criteria provided, single submitter. Criteria: Invitae Variant Classification Sherloc (09022015). Collection method: clinical testing. Allele origin: germline.

Blueprint Genetics
Classification: Likely benign. Last evaluated: 2024-11-26. Review status: criteria provided, single submitter. Criteria: ACMG Guidelines, 2015. Collection method: clinical testing. Allele origin: germline.

Genome-Nilou Lab
Classification: Benign for Retinitis pigmentosa 39. Last evaluated: 2023-11-04. Review status: criteria provided, single submitter. Criteria: ACMG Guidelines, 2015. Collection method: clinical testing. Allele origin: germline. Affected: no.

Genome-Nilou Lab
Classification: Benign for Usher syndrome type 2A. Last evaluated: 2023-11-04. Review status: criteria provided, single submitter. Criteria: ACMG Guidelines, 2015. Collection method: clinical testing. Allele origin: germline. Affected: no.

GeneDx
Classification: Benign. Last evaluated: 2015-03-03. Review status: criteria provided, single submitter. Criteria: GeneDx Variant Classification Process June 2021. Collection method: clinical testing. Allele origin: germline. Affected: yes.

Laboratory for Molecular Medicine, Mass General Brigham Personalized Medicine
Classification: Benign. Last evaluated: 2012-04-27. Review status: criteria provided, single submitter. Criteria: LMM Criteria. Collection method: clinical testing. Allele origin: germline. Observed: 7 variant alleles.
Comment: Tyr3241Tyr in exon 49 of USH2A: This variant is not expected to have clinical si gnificance because it does not alter an amino acid residue, is not located withi n the splice consensus sequence, has been identified in 2% (73/3738) of African American chromosomes from a broad population by the NHLBI Exome sequencing proje ct (dbSNP rs6660707).

Natera, Inc.
Classification: Benign for Usher syndrome type 2A. Last evaluated: 2020-09-16. Review status: no assertion criteria provided. Collection method: clinical testing. Allele origin: germline. Not counted in ClinVar's aggregate classification.

Clinical Genetics DNA and cytogenetics Diagnostics Lab, Erasmus MC, Erasmus Medical Center
Classification: Benign. Review status: no assertion criteria provided. Collection method: clinical testing. Allele origin: germline. Affected: yes. Study: VKGL Data-share Consensus. Not counted in ClinVar's aggregate classification.

Clinical Genetics, Academic Medical Center
Classification: Benign. Review status: no assertion criteria provided. Collection method: clinical testing. Allele origin: germline. Affected: yes. Study: VKGL Data-share Consensus. Not counted in ClinVar's aggregate classification.